The following is an entry in ClinVar:

ClinVar aggregate classification (germline): Uncertain significance (1 of 4 stars; one submission).

Conditions:
Dystonic disorder. Also called: Dystonia. Identifiers: MedGen C0013421, MONDO:0003441, HP:0001332.

gnomAD v4.1: 5 of 1,612,468 alleles (0.00031%); highest among the groups gnomAD compares: African/African-American, 0.0013%; no homozygotes.

Submission:

Labcorp Genetics (formerly Invitae), Labcorp
Classification: Uncertain significance for Dystonic disorder. Last evaluated: 2025-09-28. Review status: criteria provided, single submitter. Criteria: Invitae Variant Classification Sherloc (09022015). Collection method: clinical testing. Allele origin: germline.
Comment: This sequence change replaces proline, which is neutral and non-polar, with leucine, which is neutral and non-polar, at codon 140 of the CIZ1 protein (p.Pro140Leu). This variant is present in population databases (rs755879444, gnomAD 0.003%). This variant has not been reported in the literature in individuals affected with CIZ1-related conditions. An algorithm developed to predict the effect of missense changes on protein structure and function (PolyPhen-2) suggests that this variant is likely to be disruptive. In summary, the available evidence is currently insufficient to determine the role of this variant in disease. Therefore, it has been classified as a Variant of Uncertain Significance.

NM_001131016.2(CIZ1):c.419C>T (p.Pro140Leu)

Gene: CIZ1 (CDKN1A interacting zinc finger protein 1; minus strand). Cytogenetic location: 9q34.11.
Variant type: single nucleotide variant.
Coding change: c.419C>T on transcript NM_001131016.2 (MANE Select); coding-DNA position 419, C replaced by T.
Protein change: p.Pro140Leu; replaces proline 140 with leucine.
Molecular consequence: missense variant.
Genome position (GRCh38, 1-based): chr9:128,185,716, G>A on the plus strand (C>T on the coding strand, the complement: CIZ1 is on the minus strand). VCF-style: chr9-128185716-G-A. GRCh37 (hg19) VCF-style: chr9-130947995-G-A.
Other names: c.419C>T, p.Pro140Leu (NM_001131015.2, NM_001131017.2, NM_012127.3); c.347C>T, p.Pro116Leu (NM_001131018.2); c.509C>T, p.Pro170Leu (NM_001257975.2); c.116C>T, p.Pro39Leu (NM_001257976.2); short protein forms P116L, P39L, P140L, P170L.
Identifiers: ClinVar variation 4714510 (VCV004714510.1).